The following is an entry in ClinVar:

ClinVar aggregate classification (germline): Uncertain significance (1 of 4 stars; one submission).

Conditions:
Muscular dystrophy-dystroglycanopathy type B6 (MDDGB6). Also called: MUSCULAR DYSTROPHY, CONGENITAL, LARGE-RELATED; MUSCULAR DYSTROPHY, CONGENITAL, TYPE 1D; MUSCULAR DYSTROPHY-DYSTROGLYCANOPATHY (CONGENITAL WITH IMPAIRED INTELLECTUAL DEVELOPMENT), TYPE B, 6. Identifiers: MedGen C1837229, MONDO:0012138, OMIM 608840.

Allele frequency attached by ClinVar (database versions not stated): gnomAD exomes below 0.00001; ExAC 0.00001.
gnomAD v4.1: 1 of 1,603,692 alleles (0.000062%); highest among the groups gnomAD compares: Non-Finnish European, 0.000085%; no homozygotes.

Submission:

Labcorp Genetics (formerly Invitae), Labcorp
Classification: Uncertain significance for Muscular dystrophy-dystroglycanopathy type B6. Last evaluated: 2022-07-12. Review status: criteria provided, single submitter. Criteria: Invitae Variant Classification Sherloc (09022015). Collection method: clinical testing. Allele origin: germline.
Comment: This sequence change replaces serine, which is neutral and polar, with asparagine, which is neutral and polar, at codon 51 of the LARGE1 protein (p.Ser51Asn). The frequency data for this variant in the population databases is considered unreliable, as metrics indicate poor data quality at this position in the gnomAD database. This variant has not been reported in the literature in individuals affected with LARGE1-related conditions. ClinVar contains an entry for this variant (Variation ID: 1358015). Algorithms developed to predict the effect of missense changes on protein structure and function are either unavailable or do not agree on the potential impact of this missense change (SIFT: "Deleterious"; PolyPhen-2: "Benign"; Align-GVGD: "Class C0"). In summary, the available evidence is currently insufficient to determine the role of this variant in disease. Therefore, it has been classified as a Variant of Uncertain Significance.

NM_133642.5(LARGE1):c.152G>A (p.Ser51Asn)

Gene: LARGE1 (LARGE xylosyl- and glucuronyltransferase 1; minus strand). Cytogenetic location: 22q12.3.
Variant type: single nucleotide variant.
Coding change: c.152G>A on transcript NM_133642.5 (MANE Select); coding-DNA position 152, G replaced by A.
Protein change: p.Ser51Asn; replaces serine 51 with asparagine.
Molecular consequence: missense variant.
Genome position (GRCh38, 1-based): chr22:33,650,623, C>T on the plus strand (G>A on the coding strand, the complement: LARGE1 is on the minus strand). VCF-style: chr22-33650623-C-T. GRCh37 (hg19) VCF-style: chr22-34046609-C-T.
Other names: c.152G>A, p.Ser51Asn (NM_001362949.2, NM_001362951.2, NM_001362953.2 and 7 more transcripts); short protein forms S51N.
Identifiers: ClinVar variation 1358015 (VCV001358015.3), dbSNP rs758152995, ClinGen allele CA10203145.